The following is an entry in ClinVar:

ClinVar aggregate classification (germline): Conflicting classifications of pathogenicity. Review status: criteria provided, conflicting classifications (1 of 4 stars). 2 submissions from 2 submitters: Uncertain significance (1); Likely benign (1). Last evaluated 2025-09-29.

Conditions:
KBG syndrome (KBGS). Also called: ANKRD11-Related KBG Syndrome. Identifiers: Orphanet 2332, MedGen C0220687, MONDO:0007846, OMIM 148050.

Allele frequency attached by ClinVar (database versions not stated): gnomAD 0.00002; ExAC 0.00003; TOPMed 0.00004; gnomAD exomes 0.00005; ESP Exome Variant Server 0.00008.
gnomAD v4.1: 75 of 1,613,610 alleles (0.0046%); highest among the groups gnomAD compares: South Asian, 0.0077%; no homozygotes.

Submissions (2):

Labcorp Genetics (formerly Invitae), Labcorp
Classification: Uncertain significance for KBG syndrome. Last evaluated: 2025-09-29. Review status: criteria provided, single submitter. Criteria: Invitae Variant Classification Sherloc (09022015). Collection method: clinical testing. Allele origin: germline.
Comment: This sequence change replaces glutamic acid, which is acidic and polar, with lysine, which is basic and polar, at codon 1800 of the ANKRD11 protein (p.Glu1800Lys). This variant is present in population databases (rs369218399, gnomAD 0.01%). This variant has not been reported in the literature in individuals affected with ANKRD11-related conditions. ClinVar contains an entry for this variant (Variation ID: 2057895). Invitae Evidence Modeling of protein sequence and biophysical properties (such as structural, functional, and spatial information, amino acid conservation, physicochemical variation, residue mobility, and thermodynamic stability) indicates that this missense variant is not expected to disrupt ANKRD11 protein function with a negative predictive value of 95%. In summary, the available evidence is currently insufficient to determine the role of this variant in disease. Therefore, it has been classified as a Variant of Uncertain Significance.

Blueprint Genetics
Classification: Likely benign. Last evaluated: 2023-05-19. Review status: criteria provided, single submitter. Criteria: ACMG Guidelines, 2015. Collection method: clinical testing. Allele origin: germline.

NM_013275.6(ANKRD11):c.5398G>A (p.Glu1800Lys)

Gene: ANKRD11 (ankyrin repeat domain 11; minus strand). Cytogenetic location: 16q24.3.
Variant type: single nucleotide variant.
Coding change: c.5398G>A on transcript NM_013275.6 (MANE Select); coding-DNA position 5398, G replaced by A.
Protein change: p.Glu1800Lys; replaces glutamic acid 1800 with lysine.
Molecular consequence: missense variant.
Genome position (GRCh38, 1-based): chr16:89,281,144, C>T on the plus strand (G>A on the coding strand, the complement: ANKRD11 is on the minus strand). VCF-style: chr16-89281144-C-T. GRCh37 (hg19) VCF-style: chr16-89347552-C-T.
Other names: c.5398G>A, p.Glu1800Lys (NM_001256182.2, NM_001256183.2); short protein forms E1800K.
Identifiers: ClinVar variation 2057895 (VCV002057895.5), dbSNP rs369218399, ClinGen allele CA8241856.